The following is an entry in ClinVar:

ClinVar aggregate classification (germline): Likely pathogenic (1 of 4 stars; one submission).

Conditions:
Amelocerebrohypohidrotic syndrome (KTZS). Also called: Kohlschutter's syndrome; EPILEPSY AND YELLOW TEETH; EPILEPSY, DEMENTIA, AND AMELOGENESIS IMPERFECTA; KOHLSCHUTTER SYNDROME. Identifiers: Orphanet 1946, MedGen C0406740, MONDO:0009185, OMIM 226750.

Submission:

Neuberg Centre For Genomic Medicine, NCGM
Classification: Likely pathogenic for Amelocerebrohypohidrotic syndrome. Review status: criteria provided, single submitter. Criteria: ACMG Guidelines, 2015. Collection method: clinical testing. Allele origin: germline. Inheritance: Autosomal recessive inheritance. Affected: yes.
Comment: The splice site c.646-2_649del variant has not been reported previously as a pathogenic variant nor as a benign variant, to our knowledge.. The c.646-2_649del variant is novel (not in any individuals) in gnomAD Exomes and 1000 Genomes.The variant affects an invariant splice nucleotide and hence is expected to cause loss of function. Loss of function variants have been previously reported to be disease causing. For these reasons, this variant has been classified as Likely pathogenic.

NM_024589.3(ROGDI):c.646-2_649del

Gene: ROGDI (rogdi atypical leucine zipper; minus strand). Cytogenetic location: 16p13.3.
Variant type: Deletion.
Coding change: c.646-2_649del on transcript NM_024589.3 (MANE Select); the canonical splice acceptor site of the intron before coding-DNA position 646 through coding-DNA position 649, 6 bases deleted (AGAACT; older notation c.646-2_649delAGAACT).
Molecular consequence: splice acceptor variant.
Genome position (GRCh38, 1-based): chr16:4,797,984-4,797,989, AGTTCT deleted on the plus strand (AGAACT on the coding strand, the reverse complement: ROGDI is on the minus strand); deleting any 6 consecutive bases within chr16:4,797,984-4,797,991 gives the same sequence; the c. name uses the placement nearest the transcript's 3' end. VCF-style (leftmost placement, unchanged base first): chr16-4797983-AAGTTCT-A. GRCh37 (hg19) VCF-style: chr16-4847984-AAGTTCT-A.
Identifiers: ClinVar variation 2585558 (VCV002585558.1), dbSNP rs2505715181, ClinGen allele CA2582342642.